The following is an entry in ClinVar:

NM_016123.4(IRAK4):c.1075G>T (p.Ala359Ser)

Gene: IRAK4 (interleukin 1 receptor associated kinase 4; plus strand). Cytogenetic location: 12q12.
Variant type: single nucleotide variant.
Coding change: c.1075G>T on transcript NM_016123.4 (MANE Select); coding-DNA position 1075, G replaced by T.
Protein change: p.Ala359Ser; replaces alanine 359 with serine.
Molecular consequence: missense variant.
Genome position (GRCh38, 1-based): chr12:43,782,440, G>T. VCF-style: chr12-43782440-G-T. GRCh37 (hg19) VCF-style: chr12-44176243-G-T.
Other names: c.1075G>T, p.Ala359Ser (NM_001114182.3, NM_001351345.2); c.703G>T, p.Ala235Ser (NM_001145256.2, NM_001145257.2, NM_001145258.2 and 5 more transcripts); c.466G>T, p.Ala156Ser (NM_001351343.2, NM_001351344.2); short protein forms A156S, A235S, A359S.
Identifiers: ClinVar variation 2443373 (VCV002443373.1), dbSNP rs1419625941, ClinGen allele CA384477164.

ClinVar aggregate classification (germline): Uncertain significance (1 of 4 stars; one submission).

Allele frequency attached by ClinVar (database versions not stated): gnomAD exomes below 0.00001.
gnomAD v4.1: 4 of 1,613,744 alleles (0.00025%); highest among the groups gnomAD compares: Non-Finnish European, 0.00034%; no homozygotes.

Submission:

GeneDx
Classification: Uncertain significance. Last evaluated: 2023-03-12. Review status: criteria provided, single submitter. Criteria: GeneDx Variant Classification Process June 2021. Collection method: clinical testing. Allele origin: germline. Affected: yes.
Comment: Not observed at significant frequency in large population cohorts (gnomAD); In silico analysis supports that this missense variant does not alter protein structure/function; Has not been previously published as pathogenic or benign to our knowledge